The following is an entry in ClinVar:

NM_005751.5(AKAP9):c.10027G>A (p.Asp3343Asn)

Gene: AKAP9 (A-kinase anchoring protein 9; plus strand). Cytogenetic location: 7q21.2.
Variant type: single nucleotide variant.
Coding change: c.10027G>A on transcript NM_005751.5 (MANE Select); coding-DNA position 10027, G replaced by A.
Protein change: p.Asp3343Asn; replaces aspartic acid 3343 with asparagine.
Molecular consequence: missense variant.
Genome position (GRCh38, 1-based): chr7:92,096,986, G>A. VCF-style: chr7-92096986-G-A. GRCh37 (hg19) VCF-style: chr7-91726300-G-A.
Other names: c.4672G>A, p.Asp1558Asn (NM_001379277.1); c.10003G>A, p.Asp3335Asn (NM_147185.3); short protein forms D3343N, D3335N, D1558N.
Identifiers: ClinVar variation 845415 (VCV000845415.15), dbSNP rs757454990, ClinGen allele CA4337884.

ClinVar aggregate classification (germline): Uncertain significance. Review status: criteria provided, multiple submitters, no conflicts (2 of 4 stars). 3 submissions from 3 submitters: Uncertain significance (3). Last evaluated 2025-09-22.

Conditions:
Cardiovascular phenotype. Identifiers: MedGen CN230736.
Long QT syndrome (LQTS). Identifiers: MedGen C0023976, MeSH D008133, MONDO:0002442. Disease mechanism: loss of function. Inheritance: Various modes of inheritance.

Allele frequency attached by ClinVar (database versions not stated): ExAC 0.00003; TOPMed 0.00003; gnomAD 0.00004; gnomAD exomes 0.00004 and 0.00005.
gnomAD v4.1: 76 of 1,614,056 alleles (0.0047%); highest among the groups gnomAD compares: Middle Eastern, 0.016%; no homozygotes.

Submissions (3):

Labcorp Genetics (formerly Invitae), Labcorp
Classification: Uncertain significance for Long QT syndrome. Last evaluated: 2025-09-22. Review status: criteria provided, single submitter. Criteria: Invitae Variant Classification Sherloc (09022015). Collection method: clinical testing. Allele origin: germline.
Comment: This sequence change replaces aspartic acid, which is acidic and polar, with asparagine, which is neutral and polar, at codon 3343 of the AKAP9 protein (p.Asp3343Asn). This variant is present in population databases (rs757454990, gnomAD 0.009%). This variant has not been reported in the literature in individuals affected with AKAP9-related conditions. ClinVar contains an entry for this variant (Variation ID: 845415). An algorithm developed to predict the effect of missense changes on protein structure and function (PolyPhen-2) suggests that this variant is likely to be tolerated. In summary, the available evidence is currently insufficient to determine the role of this variant in disease. Therefore, it has been classified as a Variant of Uncertain Significance.

Ambry Genetics
Classification: Uncertain significance for Cardiovascular phenotype. Last evaluated: 2025-04-24. Review status: criteria provided, single submitter. Criteria: Ambry Variant Classification Scheme 2023. Collection method: clinical testing. Allele origin: germline.

GeneDx
Classification: Uncertain significance. Last evaluated: 2015-03-03. Review status: criteria provided, single submitter. Criteria: GeneDx Variant Classification Process June 2021. Collection method: clinical testing. Allele origin: germline. Affected: yes.